The following is an entry in ClinVar:

ClinVar aggregate classification (germline): Uncertain significance (1 of 4 stars; one submission).

Conditions:
Tumor predisposition syndrome 3 (TPDS3). Also called: LONG TELOMERE SYNDROME, POT1-RELATED; POT1 Tumor Predisposition; Glioma susceptibility 9; Melanoma, cutaneous malignant, susceptibility to, 10. Identifiers: Orphanet 618, MedGen C4014476, MONDO:0014368, OMIM 615848.

Allele frequency attached by ClinVar (database versions not stated): gnomAD exomes below 0.00001.
gnomAD v4.1: 1 of 1,612,248 alleles (0.000062%); highest among the groups gnomAD compares: Non-Finnish European, 0.000085%; no homozygotes.

Submission:

Labcorp Genetics (formerly Invitae), Labcorp
Classification: Uncertain significance for Tumor predisposition syndrome 3. Last evaluated: 2023-02-22. Review status: criteria provided, single submitter. Criteria: Invitae Variant Classification Sherloc (09022015). Collection method: clinical testing. Allele origin: germline.
Comment: In summary, the available evidence is currently insufficient to determine the role of this variant in disease. Therefore, it has been classified as a Variant of Uncertain Significance. Advanced modeling of protein sequence and biophysical properties (such as structural, functional, and spatial information, amino acid conservation, physicochemical variation, residue mobility, and thermodynamic stability) performed at Invitae indicates that this missense variant is not expected to disrupt POT1 protein function. ClinVar contains an entry for this variant (Variation ID: 1424202). This variant has not been reported in the literature in individuals affected with POT1-related conditions. This variant is not present in population databases (gnomAD no frequency). This sequence change replaces threonine, which is neutral and polar, with isoleucine, which is neutral and non-polar, at codon 93 of the POT1 protein (p.Thr93Ile).

NM_015450.3(POT1):c.278C>T (p.Thr93Ile)

Gene: POT1 (protection of telomeres 1; minus strand). Cytogenetic location: 7q31.33.
Variant type: single nucleotide variant.
Coding change: c.278C>T on transcript NM_015450.3 (MANE Select); coding-DNA position 278, C replaced by T.
Protein change: p.Thr93Ile; replaces threonine 93 with isoleucine.
Molecular consequence: missense variant. On other transcripts: 5 prime UTR variant (1), non-coding transcript variant (3).
Genome position (GRCh38, 1-based): chr7:124,863,618, G>A on the plus strand (C>T on the coding strand, the complement: POT1 is on the minus strand). VCF-style: chr7-124863618-G-A. GRCh37 (hg19) VCF-style: chr7-124503672-G-A.
Other names: c.-116C>T (NM_001042594.2); short protein forms T93I.
Identifiers: ClinVar variation 1424202 (VCV001424202.6), dbSNP rs2116542690, ClinGen allele CA369060452.